The following is an entry in ClinVar:

NM_000038.6(APC):c.7712C>A (p.Ser2571Tyr)

Gene: APC (APC regulator of Wnt signaling pathway; plus strand). Cytogenetic location: 5q22.2.
Variant type: single nucleotide variant.
Coding change: c.7712C>A on transcript NM_000038.6 (MANE Select); coding-DNA position 7712, C replaced by A.
Protein change: p.Ser2571Tyr; replaces serine 2571 with tyrosine.
Molecular consequence: missense variant.
Genome position (GRCh38, 1-based): chr5:112,843,306, C>A. VCF-style: chr5-112843306-C-A. GRCh37 (hg19) VCF-style: chr5-112179003-C-A.
Other names: c.7712C>A, p.Ser2571Tyr (NM_001127510.3, NM_001354895.2, NM_001407450.1); c.7658C>A, p.Ser2553Tyr (NM_001127511.3); c.7766C>A, p.Ser2589Tyr (NM_001354896.2, NM_001407447.1, NM_001407448.1 and 1 more transcripts); c.7742C>A, p.Ser2581Tyr (NM_001354897.2); c.7637C>A, p.Ser2546Tyr (NM_001354898.2); c.7628C>A, p.Ser2543Tyr (NM_001354899.2); c.7589C>A, p.Ser2530Tyr (NM_001354900.2); c.7535C>A, p.Ser2512Tyr (NM_001354901.2, NM_001407453.1); and 11 more; short protein forms S2488Y, S2530Y, S2561Y, S2571Y, S2599Y, S2512Y, S2581Y, S2187Y.
Identifiers: ClinVar variation 1760274 (VCV001760274.2), dbSNP rs1766544899, ClinGen allele CA16038083.

ClinVar aggregate classification (germline): Uncertain significance (1 of 4 stars; one submission).

Conditions:
Hereditary cancer-predisposing syndrome. Also called: Neoplastic Syndromes, Hereditary; Tumor predisposition; Hereditary Cancer Syndrome; Hereditary neoplastic syndrome. Identifiers: Orphanet 140162, MedGen C0027672, MeSH D009386, MONDO:0015356.

Submission:

Ambry Genetics
Classification: Uncertain significance for Hereditary cancer-predisposing syndrome. Last evaluated: 2022-09-27. Review status: criteria provided, single submitter. Criteria: Ambry Variant Classification Scheme 2023. Collection method: clinical testing. Allele origin: germline.
Comment: The p.S2571Y variant (also known as c.7712C>A), located in coding exon 15 of the APC gene, results from a C to A substitution at nucleotide position 7712. The serine at codon 2571 is replaced by tyrosine, an amino acid with dissimilar properties. This amino acid position is conserved. In addition, in silico predictors for this gene do not accurately predict pathogenicity. Since supporting evidence is limited at this time, the clinical significance of this alteration remains unclear.